The following is an entry in ClinVar:

ClinVar aggregate classification (germline): Uncertain significance (1 of 4 stars; one submission).

Conditions:
MC4R-related disorder. Also called: MC4R-related condition.

Submission:

PreventionGenetics, part of Exact Sciences
Classification: Uncertain significance for MC4R-related condition. Last evaluated: 2025-10-09. Review status: criteria provided, single submitter. Criteria: ACMG Guidelines, 2015. Collection method: clinical testing. Allele origin: germline.
Comment: The MC4R c.674G>T variant is predicted to result in the amino acid substitution p.Arg225Met. To our knowledge, this variant has not been reported in the literature or in a large population database (gnomAD), indicating this variant is rare. At this time, the clinical significance of this variant is uncertain due to the absence of conclusive functional and genetic evidence.

NM_005912.3(MC4R):c.674G>T (p.Arg225Met)

Gene: MC4R (melanocortin 4 receptor; minus strand). Cytogenetic location: 18q21.32.
Variant type: single nucleotide variant.
Coding change: c.674G>T on transcript NM_005912.3 (MANE Select); coding-DNA position 674, G replaced by T.
Protein change: p.Arg225Met; replaces arginine 225 with methionine.
Molecular consequence: missense variant.
Genome position (GRCh38, 1-based): chr18:60,371,676, C>A on the plus strand (G>T on the coding strand, the complement: MC4R is on the minus strand). VCF-style: chr18-60371676-C-A. GRCh37 (hg19) VCF-style: chr18-58038909-C-A.
Other names: short protein forms R225M.
Identifiers: ClinVar variation 4982734 (VCV004982734.1).